The following is an entry in ClinVar:

ClinVar aggregate classification (germline): Conflicting classifications of pathogenicity. Review status: criteria provided, conflicting classifications (1 of 4 stars). 4 submissions from 4 submitters: Uncertain significance (1); Likely benign (3). Last evaluated 2026-01-03.

Conditions:
COG7 congenital disorder of glycosylation (CDG2E). Also called: CONGENITAL DISORDER OF GLYCOSYLATION, TYPE IIe; CDG IIe. Identifiers: Orphanet 79333, MedGen C2931010, MONDO:0012118, OMIM 608779.

Allele frequency attached by ClinVar (database versions not stated): gnomAD exomes 0.00022 and 0.00031; ExAC 0.00031; ESP Exome Variant Server 0.00054; gnomAD 0.00067 and 0.00068; TOPMed 0.00087; 1000 Genomes Project 30x 0.00125; 1000 Genomes Project 0.00140.
gnomAD v4.1: 461 of 1,614,008 alleles (0.029%); highest among the groups gnomAD compares: Middle Eastern, 0.21%; 2 homozygotes.

Submissions (4):

Labcorp Genetics (formerly Invitae), Labcorp
Classification: Likely benign for COG7 congenital disorder of glycosylation. Last evaluated: 2026-01-03. Review status: criteria provided, single submitter. Criteria: Invitae Variant Classification Sherloc (09022015). Collection method: clinical testing. Allele origin: germline.

CeGaT Center for Human Genetics Tuebingen
Classification: Likely benign. Last evaluated: 2023-10-01. Review status: criteria provided, single submitter. Criteria: CeGaT Center For Human Genetics Tuebingen Variant Classification Criteria Version 2. Collection method: clinical testing. Allele origin: germline. Affected: yes. Observed: 1 variant allele.
Comment: COG7: BP7

Illumina Laboratory Services, Illumina
Classification: Uncertain significance for COG7 congenital disorder of glycosylation. Last evaluated: 2018-01-12. Review status: criteria provided, single submitter. Criteria: ICSL Variant Classification Criteria 13 December 2019. Collection method: clinical testing. Allele origin: germline.

GeneDx
Classification: Likely benign. Last evaluated: 2017-04-05. Review status: criteria provided, single submitter. Criteria: GeneDx Variant Classification (06012015). Collection method: clinical testing. Allele origin: germline. Affected: yes.
Comment: This variant is considered likely benign or benign based on one or more of the following criteria: it is a conservative change, it occurs at a poorly conserved position in the protein, it is predicted to be benign by multiple in silico algorithms, and/or has population frequency not consistent with disease.

NM_153603.4(COG7):c.1455C>T (p.Phe485=)

Gene: COG7 (component of oligomeric golgi complex 7; minus strand). Cytogenetic location: 16p12.2.
Variant type: single nucleotide variant.
Coding change: c.1455C>T on transcript NM_153603.4 (MANE Select); coding-DNA position 1455, C replaced by T.
Protein change: p.Phe485=; no amino-acid change (phenylalanine 485 retained).
Molecular consequence: synonymous variant.
Genome position (GRCh38, 1-based): chr16:23,410,315, G>A on the plus strand (C>T on the coding strand, the complement: COG7 is on the minus strand). VCF-style: chr16-23410315-G-A. GRCh37 (hg19) VCF-style: chr16-23421636-G-A.
Identifiers: ClinVar variation 318472 (VCV000318472.39), dbSNP rs116153163, ClinGen allele CA7960972.
Genomic context (GRCh38, chr16:23,410,315, plus strand): 5'-GAACCCCAGGGTGTAGAGGACAATGACTCCTCTCTCCTACCTGTTGGCTAGCTGCTGCTC[G>A]AAGTCCCCACAATGCCGCAAAAGCTCTCCACAGGTGGCTATTATCCTAAACAAAACAAAA-3'
Protein context (NP_705831.1, residues 475-495): CGELLRHCGD[Phe485=]EQQLANRILS